The following is an entry in ClinVar:

ClinVar aggregate classification (germline): Uncertain significance. Review status: criteria provided, multiple submitters, no conflicts (2 of 4 stars). 2 submissions from 2 submitters: Uncertain significance (2). Last evaluated 2022-02-24.

Conditions:
Hereditary cancer-predisposing syndrome. Also called: Hereditary neoplastic syndrome; Hereditary Cancer Syndrome; Neoplastic Syndromes, Hereditary; Tumor predisposition. Identifiers: Orphanet 140162, MedGen C0027672, MeSH D009386, MONDO:0015356.

Submissions (2):

Ambry Genetics
Classification: Uncertain significance for Hereditary cancer-predisposing syndrome. Last evaluated: 2022-02-24. Review status: criteria provided, single submitter. Criteria: Ambry Variant Classification Scheme 2023. Collection method: clinical testing. Allele origin: germline.
Comment: The p.L812I variant (also known as c.2434C>A), located in coding exon 4 of the MSH6 gene, results from a C to A substitution at nucleotide position 2434. The leucine at codon 812 is replaced by isoleucine, an amino acid with highly similar properties. This amino acid position is conserved. In addition, this alteration is predicted to be deleterious by in silico analysis. Since supporting evidence is limited at this time, the clinical significance of this alteration remains unclear.

GeneDx
Classification: Uncertain significance. Last evaluated: 2016-02-19. Review status: criteria provided, single submitter. Criteria: GeneDx Variant Classification (06012015). Collection method: clinical testing. Allele origin: germline. Affected: yes.
Comment: This variant is denoted MSH6 c.2434C>A at the cDNA level, p.Leu812Ile (L812I) at the protein level, and results in the change of a Leucine to an Isoleucine (CTA>ATA). This variant has not, to our knowledge, been published in the literature as pathogenic or benign. MSH6 Leu812Ile was not observed in approximately 6,500 individuals of European and African American ancestry in the NHLBI Exome Sequencing Project, indicating it is not a common benign variant in these populations. Since Leucine and Isoleucine share similar properties, this is considered a conservative amino acid substitution. MSH6 Leu812Ile occurs at a position that is conserved across species and is located in the MutS domain (Terui 2013). In silico analyses predict that this variant is probably damaging to protein structure and function. Based on currently available information, it is unclear whether MSH6 Leu812Ile is pathogenic or benign. We consider it to be a variant of uncertain significance.

NM_000179.3(MSH6):c.2434C>A (p.Leu812Ile)

Gene: MSH6 (mutS homolog 6; plus strand). Cytogenetic location: 2p16.3.
Variant type: single nucleotide variant.
Coding change: c.2434C>A on transcript NM_000179.3 (MANE Select); coding-DNA position 2434, C replaced by A.
Protein change: p.Leu812Ile; replaces leucine 812 with isoleucine.
Molecular consequence: missense variant.
Genome position (GRCh38, 1-based): chr2:47,800,417, C>A. VCF-style: chr2-47800417-C-A. GRCh37 (hg19) VCF-style: chr2-48027556-C-A.
Other names: c.2044C>A, p.Leu682Ile (NM_001281492.2); c.1528C>A, p.Leu510Ile (NM_001281493.2, NM_001281494.2); short protein forms L812I, L682I, L510I.
Identifiers: ClinVar variation 234499 (VCV000234499.4), dbSNP rs876661054, ClinGen allele CA10577275.
Genomic context (GRCh38, chr2:47,800,417, plus strand): 5'-CTAGATGCCATAGAAGACCTCATGGTTGTGCCTGACAAAATCTCCGAAGTTGTAGAGCTT[C>A]TAAAGAAGCTTCCAGATCTTGAGAGGCTACTCAGTAAAATTCATAATGTTGGGTCTCCCC-3'
Protein context (NP_000170.1, residues 802-822): PDKISEVVEL[Leu812Ile]KKLPDLERLL